The following is an entry in ClinVar:

ClinVar aggregate classification (germline): Uncertain significance (1 of 4 stars; one submission).

gnomAD v4.1: 2 of 1,613,440 alleles (0.00012%); highest among the groups gnomAD compares: African/African-American, 0.0027%; no homozygotes.

Submission:

Women's Health and Genetics/Laboratory Corporation of America, LabCorp
Classification: Uncertain significance. Last evaluated: 2025-09-25. Review status: criteria provided, single submitter. Criteria: LabCorp Variant Classification Summary - May 2015. Collection method: clinical testing. Allele origin: germline.
Comment: Variant summary: GBA1 c.120C>G results in a synonymous change. Several computational tools predict a significant impact on normal splicing: Four predict the variant creates/strengthens a cryptic 5' donor site. However, these predictions have yet to be confirmed by functional studies. The variant was absent in 1613440 control chromosomes. The available data on variant occurrences in the general population are insufficient to allow any conclusion about variant significance. c.120C>G has been observed in an individual affected with Parkinson's Disease (e.g. Milanowski_2021). However, this report does not provide unequivocal conclusions about association of the variant with Gaucher Disease. To our knowledge, no experimental evidence demonstrating an impact on protein function has been reported. The following publication has been ascertained in the context of this evaluation (PMID: 34586679). No submitters have cited clinical-significance assessments for this variant to ClinVar. Based on the evidence outlined above, the variant was classified as uncertain significance.

Literature cited by the submitters: PubMed 34586679.

NM_000157.4(GBA1):c.120C>G (p.Ala40=)

Genes: GBA1 (glucosylceramidase beta 1; minus strand), LOC106627981 (GBA recombination region; plus strand). Cytogenetic location: 1q22.
Variant type: single nucleotide variant.
Coding change: c.120C>G on transcript NM_000157.4 (MANE Select); coding-DNA position 120, C replaced by G.
Protein change: p.Ala40=; no amino-acid change (alanine 40 retained).
Molecular consequence: synonymous variant. On other transcripts: 5 prime UTR variant (1).
Genome position (GRCh38, 1-based): chr1:155,240,073, G>C on the plus strand (C>G on the coding strand, the complement: GBA1 is on the minus strand). VCF-style: chr1-155240073-G-C. GRCh37 (hg19) VCF-style: chr1-155209864-G-C.
Other names: c.120C>G, p.Ala40= (NM_001005741.3, NM_001005742.3, NM_001171812.2); c.-142C>G (NM_001171811.2).
Identifiers: ClinVar variation 4535969 (VCV004535969.1).